The following is an entry in ClinVar:

NM_001029.5(RPS26):c.2T>G (p.Met1Arg)

Gene: RPS26 (ribosomal protein S26; plus strand). Cytogenetic location: 12q13.2.
Variant type: single nucleotide variant.
Coding change: c.2T>G on transcript NM_001029.5 (MANE Select); coding-DNA position 2, T replaced by G.
Protein change: p.Met1Arg; changes the start codon (methionine 1).
Molecular consequence: missense variant, initiator codon variant.
Genome position (GRCh38, 1-based): chr12:56,042,168, T>G. VCF-style: chr12-56042168-T-G. GRCh37 (hg19) VCF-style: chr12-56435952-T-G.
Other names: short protein forms M1R.
Identifiers: ClinVar variation 933891 (VCV000933891.2), dbSNP rs1895894261, ClinGen allele CA385326237.

ClinVar aggregate classification (germline): Pathogenic (1 of 4 stars; one submission).

Conditions:
Diamond-Blackfan anemia 10 (DBA10). Also called: RPS26-Related Diamond-Blackfan Anemia. Identifiers: Orphanet 124, MedGen C2750080, MONDO:0013217, OMIM 613309.

Submission:

Labcorp Genetics (formerly Invitae), Labcorp
Classification: Pathogenic for Diamond-Blackfan anemia 10. Last evaluated: 2019-10-05. Review status: criteria provided, single submitter. Criteria: Invitae Variant Classification Sherloc (09022015). Collection method: clinical testing. Allele origin: germline.
Comment: This sequence change affects the initiator methionine of the RPS26 mRNA. The next in-frame methionine is located at the penultimate codon of the RPS26 gene. This variant is not present in population databases (ExAC no frequency). Disruption of the initiator codon has been observed in individuals with clinical features of Diamond-Blackfan anemia (PMID: 20116044, 21414820, 26136524, 28102861, 29114930). In at least one individual the variant was observed to be de novo. Loss-of-function variants in RPS26 are known to be pathogenic (PMID: 20116044, 23718193). For these reasons, this variant has been classified as Pathogenic.

Literature cited by the submitters: PubMed 29114930; PubMed 26136524; PubMed 28102861; PubMed 21414820; PubMed 20116044.